The following is an entry in ClinVar:

ClinVar aggregate classification (germline): Uncertain significance (1 of 4 stars; one submission).

Conditions:
Thrombocytopenia 1. Also called: THROMBOCYTOPENIA, X-LINKED, 1; X-Linked Thrombocytopenia (XLT); X-linked thrombocytopenia with normal platelets. Identifiers: Orphanet 268322, Orphanet 852, MedGen C1839163, MONDO:0010743, OMIM 313900.
Wiskott-Aldrich syndrome (WAS). Also called: ALDRICH SYNDROME; IMMUNODEFICIENCY 2; WISKOTT-ALDRICH SYNDROME 1; Wiskott-aldrich syndrome, somatic. Identifiers: Orphanet 906, MedGen C0043194, MONDO:0010518, OMIM 301000.
X-linked severe congenital neutropenia (SCNX). Identifiers: Orphanet 86788, MedGen C1845987, MONDO:0010294, OMIM 300299.

Allele frequency attached by ClinVar (database versions not stated): gnomAD exomes below 0.00001.
gnomAD v4.1: 2 of 1,164,359 alleles (0.00017%); highest among the groups gnomAD compares: Non-Finnish European, 0.00023%; no homozygotes.

Submission:

Labcorp Genetics (formerly Invitae), Labcorp
Classification: Uncertain significance for Wiskott-Aldrich syndrome; X-linked severe congenital neutropenia; Thrombocytopenia 1. Last evaluated: 2024-02-06. Review status: criteria provided, single submitter. Criteria: Invitae Variant Classification Sherloc (09022015). Collection method: clinical testing. Allele origin: germline.
Comment: This sequence change replaces proline, which is neutral and non-polar, with leucine, which is neutral and non-polar, at codon 343 of the WAS protein (p.Pro343Leu). This variant is not present in population databases (gnomAD no frequency). This variant has not been reported in the literature in individuals affected with WAS-related conditions. ClinVar contains an entry for this variant (Variation ID: 2198313). Advanced modeling of protein sequence and biophysical properties (such as structural, functional, and spatial information, amino acid conservation, physicochemical variation, residue mobility, and thermodynamic stability) performed at Invitae indicates that this missense variant is not expected to disrupt WAS protein function with a negative predictive value of 80%. In summary, the available evidence is currently insufficient to determine the role of this variant in disease. Therefore, it has been classified as a Variant of Uncertain Significance.

NM_000377.3(WAS):c.1028C>T (p.Pro343Leu)

Gene: WAS (WASP actin nucleation promoting factor; plus strand). Cytogenetic location: Xp11.23.
Variant type: single nucleotide variant.
Coding change: c.1028C>T on transcript NM_000377.3 (MANE Select); coding-DNA position 1028, C replaced by T.
Protein change: p.Pro343Leu; replaces proline 343 with leucine.
Molecular consequence: missense variant.
Genome position (GRCh38, 1-based): chrX:48,688,756, C>T. VCF-style: chrX-48688756-C-T. GRCh37 (hg19) VCF-style: chrX-48547145-C-T.
Other names: short protein forms P343L.
Identifiers: ClinVar variation 2198313 (VCV002198313.4), dbSNP rs2519286741, ClinGen allele CA412873036.